The following is an entry in ClinVar:

ClinVar aggregate classification (germline): Uncertain significance (1 of 4 stars; one submission).

gnomAD v4.1: 10 of 1,613,642 alleles (0.00062%); highest among the groups gnomAD compares: Middle Eastern, 0.016%; no homozygotes.

Submission:

Ambry Genetics
Classification: Uncertain significance. Last evaluated: 2026-03-17. Review status: criteria provided, single submitter. Criteria: Ambry Variant Classification Scheme 2023. Collection method: clinical testing. Allele origin: germline.
Comment: The c.707G>A (p.R236H) alteration is located in exon 6 (coding exon 6) of the AXL gene. This alteration results from a G to A substitution at nucleotide position 707, causing the arginine (R) at amino acid position 236 to be replaced by a histidine (H). Based on data from gnomAD, the A allele has an overall frequency of <0.001% (1/251024) total alleles studied. The highest observed frequency was 0.001% (1/113444) of European (non-Finnish) alleles. Based on insufficient or conflicting evidence, the clinical significance of this alteration remains unclear.

NM_021913.5(AXL):c.707G>A (p.Arg236His)

Gene: AXL (AXL receptor tyrosine kinase; plus strand). Cytogenetic location: 19q13.2.
Variant type: single nucleotide variant.
Coding change: c.707G>A on transcript NM_021913.5 (MANE Select); coding-DNA position 707, G replaced by A.
Protein change: p.Arg236His; replaces arginine 236 with histidine.
Molecular consequence: missense variant. On other transcripts: 5 prime UTR variant (1).
Genome position (GRCh38, 1-based): chr19:41,231,222, G>A. VCF-style: chr19-41231222-G-A. GRCh37 (hg19) VCF-style: chr19-41737127-G-A.
Other names: c.-98G>A (NM_001278599.2); c.707G>A, p.Arg236His (NM_001699.6); short protein forms R236H.
Identifiers: ClinVar variation 4867319 (VCV004867319.1).